The following is an entry in ClinVar:

NM_017612.5(ZCCHC8):c.259G>A (p.Asp87Asn)

Gene: ZCCHC8 (zinc finger CCHC-type containing 8; minus strand). Cytogenetic location: 12q24.31.
Variant type: single nucleotide variant.
Coding change: c.259G>A on transcript NM_017612.5 (MANE Select); coding-DNA position 259, G replaced by A.
Protein change: p.Asp87Asn; replaces aspartic acid 87 with asparagine.
Molecular consequence: missense variant. On other transcripts: 5 prime UTR variant (3).
Genome position (GRCh38, 1-based): chr12:122,492,773, C>T on the plus strand (G>A on the coding strand, the complement: ZCCHC8 is on the minus strand). VCF-style: chr12-122492773-C-T. GRCh37 (hg19) VCF-style: chr12-122977320-C-T.
Other names: c.259G>A (NM_017612.3); c.259G>A, p.Asp87Asn (NM_001350935.2); c.-39G>A (NM_001350936.2); c.-286G>A (NM_001350937.2); c.-180G>A (NM_001350938.2); short protein forms D87N.
Identifiers: ClinVar variation 1406025 (VCV001406025.12), dbSNP rs771364943, ClinGen allele CA6846485.

ClinVar aggregate classification (germline): Conflicting classifications of pathogenicity. Review status: criteria provided, conflicting classifications (1 of 4 stars). 3 submissions from 3 submitters: Uncertain significance (1); Likely benign (2). Last evaluated 2025-12-16.

Allele frequency attached by ClinVar (database versions not stated): gnomAD 0.00001; TOPMed 0.00002.

Submissions (3):

Labcorp Genetics (formerly Invitae), Labcorp
Classification: Uncertain significance. Last evaluated: 2025-12-16. Review status: criteria provided, single submitter. Criteria: Invitae Variant Classification Sherloc (09022015). Collection method: clinical testing. Allele origin: germline.
Comment: This sequence change replaces aspartic acid, which is acidic and polar, with asparagine, which is neutral and polar, at codon 87 of the ZCCHC8 protein (p.Asp87Asn). The frequency data for this variant in the population databases is considered unreliable, as metrics indicate poor data quality at this position in the gnomAD database. This variant has not been reported in the literature in individuals affected with ZCCHC8-related conditions. ClinVar contains an entry for this variant (Variation ID: 1406025). Invitae Evidence Modeling of protein sequence and biophysical properties (such as structural, functional, and spatial information, amino acid conservation, physicochemical variation, residue mobility, and thermodynamic stability) indicates that this missense variant is not expected to disrupt ZCCHC8 protein function with a negative predictive value of 80%. In summary, the available evidence is currently insufficient to determine the role of this variant in disease. Therefore, it has been classified as a Variant of Uncertain Significance.

Blueprint Genetics
Classification: Likely benign. Last evaluated: 2024-03-12. Review status: criteria provided, single submitter. Criteria: ACMG Guidelines, 2015. Collection method: clinical testing. Allele origin: germline.

Ambry Genetics
Classification: Likely benign. Last evaluated: 2022-11-21. Review status: criteria provided, single submitter. Criteria: Ambry Variant Classification Scheme 2023. Collection method: clinical testing. Allele origin: germline.